The following is an entry in ClinVar:

NM_000380.4(XPA):c.712G>T (p.Glu238Ter)

Gene: XPA (XPA, DNA damage recognition and repair factor; minus strand). Cytogenetic location: 9q22.33.
Variant type: single nucleotide variant.
Coding change: c.712G>T on transcript NM_000380.4 (MANE Select); coding-DNA position 712, G replaced by T.
Protein change: p.Glu238Ter; replaces glutamic acid 238 with a stop codon.
Molecular consequence: nonsense. On other transcripts: non-coding transcript variant (5).
Genome position (GRCh38, 1-based): chr9:97,675,549, C>A on the plus strand (G>T on the coding strand, the complement: XPA is on the minus strand). VCF-style: chr9-97675549-C-A. GRCh37 (hg19) VCF-style: chr9-100437831-C-A.
Other names: c.586G>T, p.Glu196Ter (NM_001354975.2); short protein forms E196*, E238*.
Identifiers: ClinVar variation 2850447 (VCV002850447.3), dbSNP rs2490184995, ClinGen allele CA374185485.
Genomic context (GRCh38, chr9:97,675,549, plus strand): 5'-GGTACATGTCATCTTCTAGGTTTTCTTCTGGTCCATACTCATGTTGATGAACAATCGTCT[C>A]CCTTTTCCACACGCTGCTTCTTACTGCTCGCCGCAATTCTGAAAAAAAAATTTTAAAGTC-3'

ClinVar aggregate classification (germline): Pathogenic (1 of 4 stars; one submission).

Submission:

Labcorp Genetics (formerly Invitae), Labcorp
Classification: Pathogenic. Last evaluated: 2023-03-28. Review status: criteria provided, single submitter. Criteria: Invitae Variant Classification Sherloc (09022015). Collection method: clinical testing. Allele origin: germline.
Comment: This variant has not been reported in the literature in individuals affected with XPA-related conditions. For these reasons, this variant has been classified as Pathogenic. This variant disrupts a region of the XPA protein in which other variant(s) (p.Arg258Tyrfs*5) have been determined to be pathogenic (PMID: 31478152). This suggests that this is a clinically significant region of the protein, and that variants that disrupt it are likely to be disease-causing. This variant is not present in population databases (gnomAD no frequency). This sequence change creates a premature translational stop signal (p.Glu238*) in the XPA gene. While this is not anticipated to result in nonsense mediated decay, it is expected to disrupt the last 36 amino acid(s) of the XPA protein.

Literature cited by the submitters: PubMed 31478152.